The following is an entry in ClinVar:

ClinVar aggregate classification (germline): Pathogenic (1 of 4 stars; one submission).

Submission:

Labcorp Genetics (formerly Invitae), Labcorp
Classification: Pathogenic. Last evaluated: 2024-05-20. Review status: criteria provided, single submitter. Criteria: Invitae Variant Classification Sherloc (09022015). Collection method: clinical testing. Allele origin: germline.
Comment: This sequence change creates a premature translational stop signal (p.Leu318Alafs*3) in the REN gene. It is expected to result in an absent or disrupted protein product. Loss-of-function variants in REN are known to be pathogenic (PMID: 16116425, 22095942, 27994858). This variant is not present in population databases (gnomAD no frequency). This variant has not been reported in the literature in individuals affected with REN-related conditions. For these reasons, this variant has been classified as Pathogenic.

Literature cited by the submitters: PubMed 16116425; PubMed 22095942; PubMed 27994858.

NM_000537.4(REN):c.951dup (p.Leu318fs)

Gene: REN (renin; minus strand). Cytogenetic location: 1q32.1.
Variant type: Duplication.
Coding change: c.951dup on transcript NM_000537.4 (MANE Select); coding-DNA position 951, one base duplicated (G; older notation c.951dupG).
Protein change: p.Leu318fs; shifts the reading frame from leucine 318.
Molecular consequence: frameshift variant.
Genome position (GRCh38, 1-based): chr1:204,156,187, C duplicated on the plus strand (G on the coding strand, the reverse complement: REN is on the minus strand); the first of 2 consecutive C bases (chr1:204,156,187-204,156,188); duplicating either gives the same sequence. VCF-style (leftmost placement, unchanged base first): chr1-204156186-G-GC. GRCh37 (hg19) VCF-style: chr1-204125314-G-GC.
Other names: short protein forms L318fs.
Identifiers: ClinVar variation 3653918 (VCV003653918.2).